The following is an entry in ClinVar:

ClinVar aggregate classification (germline): Uncertain significance (1 of 4 stars; one submission).

Submission:

Labcorp Genetics (formerly Invitae), Labcorp
Classification: Uncertain significance. Last evaluated: 2025-01-06. Review status: criteria provided, single submitter. Criteria: Invitae Variant Classification Sherloc (09022015). Collection method: clinical testing. Allele origin: germline.
Comment: This sequence change replaces aspartic acid, which is acidic and polar, with glycine, which is neutral and non-polar, at codon 397 of the WDR4 protein (p.Asp397Gly). This variant is not present in population databases (gnomAD no frequency). This variant has not been reported in the literature in individuals affected with WDR4-related conditions. ClinVar contains an entry for this variant (Variation ID: 2831777). An algorithm developed to predict the effect of missense changes on protein structure and function outputs the following: PolyPhen-2: "Benign". The glycine amino acid residue is found in multiple mammalian species, which suggests that this missense change does not adversely affect protein function. In summary, the available evidence is currently insufficient to determine the role of this variant in disease. Therefore, it has been classified as a Variant of Uncertain Significance.

NM_018669.6(WDR4):c.1190A>G (p.Asp397Gly)

Gene: WDR4 (WDR4 tRNA N7-guanosine methyltransferase non-catalytic subunit; minus strand). Cytogenetic location: 21q22.3.
Variant type: single nucleotide variant.
Coding change: c.1190A>G on transcript NM_018669.6 (MANE Select); coding-DNA position 1190, A replaced by G.
Protein change: p.Asp397Gly; replaces aspartic acid 397 with glycine.
Molecular consequence: missense variant. On other transcripts: non-coding transcript variant (1).
Genome position (GRCh38, 1-based): chr21:42,850,098, T>C on the plus strand (A>G on the coding strand, the complement: WDR4 is on the minus strand). VCF-style: chr21-42850098-T-C. GRCh37 (hg19) VCF-style: chr21-44270208-T-C.
Other names: c.1187A>G, p.Asp396Gly (NM_001260474.2); c.752A>G, p.Asp251Gly (NM_001260475.2, NM_001260476.2, NM_001260477.2 and 1 more transcripts); c.1190A>G, p.Asp397Gly (NM_033661.5); short protein forms D397G, D251G, D396G.
Identifiers: ClinVar variation 2831777 (VCV002831777.3), dbSNP rs2516958567, ClinGen allele CA410386120.